The following is an entry in ClinVar:

ClinVar aggregate classification (germline): Uncertain significance (1 of 4 stars; one submission).

Allele frequency attached by ClinVar (database versions not stated): gnomAD exomes 0.00001; ExAC 0.00004.
gnomAD v4.1: 11 of 1,552,278 alleles (0.00071%); highest among the groups gnomAD compares: Non-Finnish European, 0.00087%; no homozygotes.

Submission:

Labcorp Genetics (formerly Invitae), Labcorp
Classification: Uncertain significance. Last evaluated: 2022-12-02. Review status: criteria provided, single submitter. Criteria: Invitae Variant Classification Sherloc (09022015). Collection method: clinical testing. Allele origin: germline.
Comment: In summary, the available evidence is currently insufficient to determine the role of this variant in disease. Therefore, it has been classified as a Variant of Uncertain Significance. Algorithms developed to predict the effect of missense changes on protein structure and function are either unavailable or do not agree on the potential impact of this missense change (SIFT: "Not Available"; PolyPhen-2: "Probably Damaging"; Align-GVGD: "Not Available"). ClinVar contains an entry for this variant (Variation ID: 1482280). This variant has not been reported in the literature in individuals affected with UNC80-related conditions. This variant is present in population databases (rs772512893, gnomAD 0.003%). This sequence change replaces cysteine, which is neutral and slightly polar, with arginine, which is basic and polar, at codon 615 of the UNC80 protein (p.Cys615Arg).

NM_001371986.1(UNC80):c.1843T>C (p.Cys615Arg)

Gene: UNC80 (unc-80 subunit of NALCN channel complex; plus strand). Cytogenetic location: 2q34.
Variant type: single nucleotide variant.
Coding change: c.1843T>C on transcript NM_001371986.1 (MANE Select); coding-DNA position 1843, T replaced by C.
Protein change: p.Cys615Arg; replaces cysteine 615 with arginine.
Molecular consequence: missense variant.
Genome position (GRCh38, 1-based): chr2:209,819,142, T>C. VCF-style: chr2-209819142-T-C. GRCh37 (hg19) VCF-style: chr2-210683866-T-C.
Other names: c.1843T>C, p.Cys615Arg (NM_032504.2, NM_182587.4); short protein forms C615R.
Identifiers: ClinVar variation 1482280 (VCV001482280.6), dbSNP rs772512893, ClinGen allele CA2082976.